The following is an entry in ClinVar:

NM_007294.4(BRCA1):c.5541C>A (p.Cys1847Ter)

Gene: BRCA1 (BRCA1 DNA repair associated; minus strand). Cytogenetic location: 17q21.31.
Variant type: single nucleotide variant.
Coding change: c.5541C>A on transcript NM_007294.4 (MANE Select); coding-DNA position 5541, C replaced by A.
Protein change: p.Cys1847Ter; replaces cysteine 1847 with a stop codon.
Molecular consequence: nonsense. On other transcripts: 3 prime UTR variant (1), non-coding transcript variant (1).
Genome position (GRCh38, 1-based): chr17:43,045,729, G>T on the plus strand (C>A on the coding strand, the complement: BRCA1 is on the minus strand). VCF-style: chr17-43045729-G-T. GRCh37 (hg19) VCF-style: chr17-41197746-G-T.
Other names: c.5538C>A, p.Cys1846Ter (NM_001407614.1, NM_001407615.1, NM_001407616.1 and 14 more transcripts); c.5535C>A, p.Cys1845Ter (NM_001407633.1, NM_001407634.1, NM_001407635.1 and 13 more transcripts); c.5463C>A, p.Cys1821Ter (NM_001407655.1, NM_001407652.1, NM_001407653.1 and 1 more transcripts); c.5460C>A, p.Cys1820Ter (NM_001407656.1, NM_001407657.1, NM_001407658.1); c.5457C>A, p.Cys1819Ter (NM_001407659.1, NM_001407660.1, NM_001407661.1 and 2 more transcripts); c.5418C>A, p.Cys1806Ter (NM_001407664.1, NM_001407665.1, NM_001407666.1 and 3 more transcripts); c.5415C>A, p.Cys1805Ter (NM_001407674.1, NM_001407675.1, NM_001407676.1 and 8 more transcripts); c.5412C>A, p.Cys1804Ter (NM_001407681.1, NM_001407682.1, NM_001407683.1 and 6 more transcripts); and 74 more; short protein forms C1847*, C1800*, C1868*, C743*, C1678*, C1719*, C1720*, C1734*.
Identifiers: ClinVar variation 55622 (VCV000055622.18), dbSNP rs397509295, ClinGen allele CA003706.

ClinVar aggregate classification (germline): Pathogenic. Review status: reviewed by expert panel (3 of 4 stars). 7 submissions from 7 submitters: Pathogenic (1). 6 of the submissions do not count toward it. Last evaluated 2016-09-08.

Conditions:
Inherited breast cancer and ovarian cancer.
Hereditary breast ovarian cancer syndrome. Also called: BRCA1- and BRCA2-Associated Hereditary Breast and Ovarian Cancer; Hereditary breast and ovarian cancer syndrome; Hereditary breast and ovarian cancer syndrome (HBOC); Breast and ovarian cancer; Hereditary breast and/or ovarian cancer syndrome; Hereditary breast and ovarian cancer. Identifiers: Orphanet 145, MedGen C0677776, MeSH D061325, MONDO:0003582. Disease mechanism: loss of function.
Breast-ovarian cancer, familial, susceptibility to, 1 (BROVCA1). Also called: BRCA1 Hereditary Breast and Ovarian Cancer; OVARIAN CANCER, SUSCEPTIBILITY TO. Identifiers: Orphanet 145, MedGen C2676676, MONDO:0011450, OMIM 604370. Disease mechanism: loss of function.

Submissions (8):

Evidence-based Network for the Interpretation of Germline Mutant Alleles (ENIGMA)
Classification: Pathogenic for Breast-ovarian cancer, familial, susceptibility to, 1. Last evaluated: 2016-09-08. Review status: reviewed by expert panel. Criteria: ENIGMA BRCA1/2 Classification Criteria (2015). Collection method: curation. Allele origin: germline.
Comment: Variant allele predicted to encode a truncated non-functional protein.

Genetics Laboratory, Great Ormond Street Hospital NHS Foundation Trust, North Thames Genomic Laboratory Hub
Classification: Pathogenic for Inherited breast cancer and ovarian cancer. Last evaluated: 2025-10-22. Review status: criteria provided, single submitter. Criteria: CanVIG BRCA Gene Specific V1.22. Collection method: clinical testing. Allele origin: germline. Affected: yes. Not counted in ClinVar's aggregate classification.
Comment: PM2_moderate, PVS1_very-strong, PM5_strong, PS3_strong

Women's Health and Genetics/Laboratory Corporation of America, LabCorp
Classification: Pathogenic for Hereditary breast ovarian cancer syndrome. Last evaluated: 2022-12-09. Review status: criteria provided, single submitter. Criteria: LabCorp Variant Classification Summary - May 2015. Collection method: clinical testing. Allele origin: germline. Not counted in ClinVar's aggregate classification.
Comment: Variant summary: BRCA1 c.5541C>A (p.Cys1847X) results in a premature termination codon, predicted to cause a truncation of the encoded protein or absence of the protein due to nonsense mediated decay, which are commonly known mechanisms for disease. Truncations downstream of this position have been associated with phenotype in HGMD. The variant was absent in 250872 control chromosomes. c.5541C>A has been reported in the literature in individuals affected with Hereditary Breast And Ovarian Cancer Syndrome (Caus-Moncoutier_2011). At least one functional study reports experimental evidence evaluating an impact on protein function and showed a damaging effect of this variant on homology directed repair (HDR) activity (e.g. Findlay_2018). HDR assays qualify as a recognized gold standard on the basis of updated guidance provided by the ClinGen Sequence Variant Interpretation (SVI) working group. Three clinical diagnostic laboratories have submitted clinical-significance assessments for this variant to ClinVar after 2014 without evidence for independent evaluation. All laboratories classified the variant as pathogenic/likely pathogenic. Based on the evidence outlined above, the variant was classified as pathogenic.

Baylor Genetics
Classification: Likely pathogenic for Breast-ovarian cancer, familial, susceptibility to, 1. Last evaluated: 2022-10-06. Review status: criteria provided, single submitter. Criteria: ACMG Guidelines, 2015. Collection method: clinical testing. Allele origin: unknown. Not counted in ClinVar's aggregate classification.

Labcorp Genetics (formerly Invitae), Labcorp
Classification: Pathogenic for Hereditary breast ovarian cancer syndrome. Last evaluated: 2019-12-03. Review status: criteria provided, single submitter. Criteria: Invitae Variant Classification Sherloc (09022015). Collection method: clinical testing. Allele origin: germline. Not counted in ClinVar's aggregate classification.
Comment: For these reasons, this variant has been classified as Pathogenic. This variant disrupts the C-terminal end of the BRCA1 protein partially including the BRCT domain (residues 1646-1859), which is important for DNA repair activity (PMID: 11573086, 14576433, 15133503, 25652403). Experimental studies have shown that this variant affects BRCA1 protein function (PMID: 30209399). This variant has been observed in individual(s) with personal and/or family history of breast and/or ovarian cancer (PMID: 21120943). ClinVar contains an entry for this variant (Variation ID: 55622). This variant is not present in population databases (ExAC no frequency). This sequence change results in a premature translational stop signal in the BRCA1 gene (p.Cys1847*). While this is not anticipated to result in nonsense mediated decay, it is expected to disrupt the last 17 amino acids of the BRCA1 protein. A different truncation (p.Tyr1853*) that lies downstream of this variant has been determined to be pathogenic (PMID: 21922593, 10811118, 11739404, 12400015, 7894493, Invitae). This suggests that variants that disrupt this region of the protein are likely to be causative of disease.

Cancer Genetics and Genomics Laboratory, British Columbia Cancer Agency
Classification: Pathogenic for Hereditary breast ovarian cancer syndrome. Last evaluated: 2017-04-18. Review status: criteria provided, single submitter. Criteria: ACMG Guidelines, 2015. Collection method: clinical testing. Allele origin: germline. Study: The Canadian Open Genetics Repository (COGR). Not counted in ClinVar's aggregate classification.

Sharing Clinical Reports Project (SCRP)
Classification: Pathogenic for Breast-ovarian cancer, familial 1. Last evaluated: 2011-08-23. Review status: no assertion criteria provided. Collection method: clinical testing. Allele origin: germline. Not counted in ClinVar's aggregate classification.

Brotman Baty Institute, University of Washington
No classification provided (evidence only). Condition: Breast-ovarian cancer, familial 1. Review status: no classification provided. Collection method: in vitro. Allele origin: not applicable. Functional consequence: functionally_abnormal. Not counted in ClinVar's aggregate classification.
ClinVar note: "not provided" was previously submitted as the classification for the variant. However, the classification appeared to be based only on an observation of functional data so it was converted to no classification on 2025-07-30.

Literature cited by the submitters: PubMed 21120943 (cited by Women's Health and Genetics/Laboratory Corporation of America, LabCorp and Labcorp Genetics (formerly Invitae), Labcorp); PubMed 30209399 (cited by Women's Health and Genetics/Laboratory Corporation of America, LabCorp and Labcorp Genetics (formerly Invitae), Labcorp); PubMed 11573086 (cited by Labcorp Genetics (formerly Invitae), Labcorp); PubMed 14576433 (cited by Labcorp Genetics (formerly Invitae), Labcorp); PubMed 15133503 (cited by Labcorp Genetics (formerly Invitae), Labcorp); PubMed 25652403 (cited by Labcorp Genetics (formerly Invitae), Labcorp); PubMed 21922593 (cited by Labcorp Genetics (formerly Invitae), Labcorp); PubMed 10811118 (cited by Labcorp Genetics (formerly Invitae), Labcorp); PubMed 11739404 (cited by Labcorp Genetics (formerly Invitae), Labcorp); PubMed 12400015 (cited by Labcorp Genetics (formerly Invitae), Labcorp); PubMed 7894493 (cited by Labcorp Genetics (formerly Invitae), Labcorp).